The following is an entry in ClinVar:

ClinVar aggregate classification (germline): Uncertain significance (1 of 4 stars; one submission).

Submission:

Labcorp Genetics (formerly Invitae), Labcorp
Classification: Uncertain significance. Last evaluated: 2023-01-08. Review status: criteria provided, single submitter. Criteria: Invitae Variant Classification Sherloc (09022015). Collection method: clinical testing. Allele origin: germline.
Comment: In summary, the available evidence is currently insufficient to determine the role of this variant in disease. Therefore, it has been classified as a Variant of Uncertain Significance. Advanced modeling of protein sequence and biophysical properties (such as structural, functional, and spatial information, amino acid conservation, physicochemical variation, residue mobility, and thermodynamic stability) performed at Invitae indicates that this missense variant is expected to disrupt EPHB4 protein function. This variant has not been reported in the literature in individuals affected with EPHB4-related conditions. This variant is not present in population databases (gnomAD no frequency). This sequence change replaces asparagine, which is neutral and polar, with isoleucine, which is neutral and non-polar, at codon 675 of the EPHB4 protein (p.Asn675Ile).

NM_004444.5(EPHB4):c.2024A>T (p.Asn675Ile)

Gene: EPHB4 (EPH receptor B4; minus strand). Cytogenetic location: 7q22.1.
Variant type: single nucleotide variant.
Coding change: c.2024A>T on transcript NM_004444.5 (MANE Select); coding-DNA position 2024, A replaced by T.
Protein change: p.Asn675Ile; replaces asparagine 675 with isoleucine.
Molecular consequence: missense variant.
Genome position (GRCh38, 1-based): chr7:100,812,841, T>A on the plus strand (A>T on the coding strand, the complement: EPHB4 is on the minus strand). VCF-style: chr7-100812841-T-A. GRCh37 (hg19) VCF-style: chr7-100410463-T-A.
Other names: short protein forms N675I.
Identifiers: ClinVar variation 2826981 (VCV002826981.3), dbSNP rs148505212, ClinGen allele CA368570157.